The following is an entry in ClinVar:

NM_004329.3(BMPR1A):c.1433G>A (p.Arg478His)

Gene: BMPR1A (bone morphogenetic protein receptor type 1A; plus strand). Cytogenetic location: 10q23.2.
Variant type: single nucleotide variant.
Coding change: c.1433G>A on transcript NM_004329.3 (MANE Select); coding-DNA position 1433, G replaced by A.
Protein change: p.Arg478His; replaces arginine 478 with histidine.
Molecular consequence: missense variant.
Genome position (GRCh38, 1-based): chr10:86,923,466, G>A. VCF-style: chr10-86923466-G-A. GRCh37 (hg19) VCF-style: chr10-88683223-G-A.
Other names: short protein forms R478H.
Identifiers: ClinVar variation 41780 (VCV000041780.89), dbSNP rs113849804, ClinGen allele CA168550.
Genomic context (GRCh38, chr10:86,923,466, plus strand): 5'-ACAACATGGTACCGAGTGATCCGTCATACGAAGATATGCGTGAGGTTGTGTGTGTCAAAC[G>A]TTTGCGGCCAATTGTGTCTAATCGGTGGAACAGTGATGAAGTGAGTGGAACTCAGTCCCC-3'
Protein context (NP_004320.2, residues 468-488): EDMREVVCVK[Arg478His]LRPIVSNRWN

ClinVar aggregate classification (germline): Conflicting classifications of pathogenicity. Review status: criteria provided, conflicting classifications (1 of 4 stars). 20 submissions from 20 submitters: Uncertain significance (8); Benign (2); Likely benign (8). 2 of the submissions do not count toward it. Last evaluated 2026-04-13.

Conditions:
Polyposis syndrome, hereditary mixed, 2. Identifiers: Orphanet 157794, MedGen C1864730, MONDO:0012405, OMIM 610069.
Juvenile polyposis syndrome (JPS). Identifiers: Orphanet 2929, MedGen C0345893, MONDO:0017380, OMIM 174900.
BMPR1A-related disorder. Also called: BMPR1A-related condition.
Hereditary cancer-predisposing syndrome. Also called: Tumor predisposition; Neoplastic Syndromes, Hereditary; Hereditary Cancer Syndrome; Hereditary neoplastic syndrome. Identifiers: Orphanet 140162, MedGen C0027672, MeSH D009386, MONDO:0015356.
Generalized juvenile polyposis/juvenile polyposis coli. Also called: Juvenile polyposis coli. Identifiers: Orphanet 329971, MedGen C1868081, MONDO:0008276.

Allele frequency attached by ClinVar (database versions not stated): ESP Exome Variant Server 0.00023; gnomAD 0.00024 and 0.00025; TOPMed 0.00028.
gnomAD v4.1: 572 of 1,614,098 alleles (0.035%); highest among the groups gnomAD compares: Non-Finnish European, 0.044%; no homozygotes.

Submissions (20):

Dasa
Classification: Uncertain significance. Last evaluated: 2026-04-13. Review status: criteria provided, single submitter. Criteria: DASA Assertion Criteria. Collection method: clinical testing. Allele origin: germline.
Comment: NM_004329.3(BMPR1A):c.1433G>A (p.Arg478His) is a missense variant that results in the substitution of arginine with histidine. This variant is rare in population databases. The currently available literature and clinical evidence are not sufficient to establish a definitive association between this variant and the reported condition. Therefore, this variant is classified as a variant of uncertain significance.

Labcorp Genetics (formerly Invitae), Labcorp
Classification: Likely benign for Juvenile polyposis syndrome. Last evaluated: 2026-02-03. Review status: criteria provided, single submitter. Criteria: Invitae Variant Classification Sherloc (09022015). Collection method: clinical testing. Allele origin: germline.

Center for Genomic Medicine, Rigshospitalet, Copenhagen University Hospital
Classification: Uncertain significance. Last evaluated: 2025-12-29. Review status: criteria provided, single submitter. Criteria: ACMG Guidelines, 2015. Collection method: clinical testing. Allele origin: germline.

PreventionGenetics, part of Exact Sciences
Classification: Likely benign for BMPR1A-related condition. Last evaluated: 2025-10-27. Review status: criteria provided, single submitter. Criteria: ACMG Guidelines, 2015. Collection method: clinical testing. Allele origin: germline.
Comment: This variant is classified as likely benign based on ACMG/AMP sequence variant interpretation guidelines (Richards et al. 2015 PMID: 25741868, with internal and published modifications).

Women's Health and Genetics/Laboratory Corporation of America, LabCorp
Classification: Likely benign. Last evaluated: 2025-10-08. Review status: criteria provided, single submitter. Criteria: LabCorp Variant Classification Summary - May 2015. Collection method: clinical testing. Allele origin: germline.
Comment: Variant summary: BMPR1A c.1433G>A (p.Arg478His) results in a non-conservative amino acid change located in the Serine-threonine/tyrosine-protein kinase, catalytic domain of the encoded protein sequence. Algorithms developed to predict the effect of missense changes on protein structure and function all suggest that this variant is likely to be disruptive. The variant allele was found at a frequency of 0.00017 in 251494 control chromosomes. The observed variant frequency exceeds the estimated maximal expected allele frequency for disease-causing variants in BMPR1A. Although, c.1433G>A has been reported within settings of multigene panel testing for hereditary cancers, these report(s) do not provide unequivocal conclusions about association of the variant with Juvenile Polyposis Syndrome (example Yurgelun_2015, Dalessandro_2015, Johnston_2012, Pearlman_2016, Tung_2014, Yurgelun_2017, Tsai_2019). A recent study reporting outcomes of re-classification of VUS from patient-driven family studies reported this variant with no cases of polyposis in a family (Tsai_2019). Co-occurrences with other pathogenic variant(s) have been reported in the literature and at our laboratory (examples, Yurgelun_2015, EPCAM deletion of exons 1-9; Our laboratory, BRCA2 c.1813dupA, p.I1605fs*11; Tsai_2019, an unspecified co-occurrence with a pathogenic variant in the PALB2 gene), providing supporting evidence for a benign role. To our knowledge, no experimental evidence demonstrating an impact on protein function has been reported. The following publications have been ascertained in the context of this evaluation (PMID: 22703879, 25980754, 25186627, 25996639, 27978560, 28135145, 30374176). ClinVar contains an entry for this variant (Variation ID: 41780). Based on the evidence outlined above, the variant was classified as likely benign.

Myriad Genetics, Inc.
Classification: Benign for Juvenile polyposis syndrome. Last evaluated: 2025-01-23. Review status: criteria provided, single submitter. Criteria: Myriad Autosomal Dominant, Autosomal Recessive and X-Linked Classification Criteria (2023). Collection method: clinical testing. Allele origin: unknown.
Comment: This variant is considered benign. Homozygosity has been confirmed in one or more individuals. As homozygosity for pathogenic variants in this gene is generally assumed to result in embryonic lethality, this variant is unlikely to be pathogenic. This variant has been observed at a population frequency that is significantly greater than expected given the associated disease prevalence and penetrance.

Blueprint Genetics
Classification: Likely benign. Last evaluated: 2024-10-15. Review status: criteria provided, single submitter. Criteria: ACMG Guidelines, 2015. Collection method: clinical testing. Allele origin: germline.

Mayo Clinic Laboratories, Mayo Clinic
Classification: Uncertain significance. Last evaluated: 2023-08-17. Review status: criteria provided, single submitter. Criteria: ACMG Guidelines, 2015. Collection method: clinical testing. Allele origin: germline. Observed: 1 variant allele.
Comment: BS1

Department of Pathology and Laboratory Medicine, Sinai Health System
Classification: Uncertain significance for Polyposis syndrome, hereditary mixed, 2; Juvenile polyposis syndrome. Last evaluated: 2023-04-27. Review status: criteria provided, single submitter. Criteria: ACMG Guidelines, 2015. Collection method: clinical testing. Allele origin: germline. Affected: yes.

GeneDx
Classification: Uncertain significance. Last evaluated: 2022-09-21. Review status: criteria provided, single submitter. Criteria: GeneDx Variant Classification Process June 2021. Collection method: clinical testing. Allele origin: germline. Affected: yes.
Comment: In silico analysis supports that this missense variant has a deleterious effect on protein structure/function; Observed individuals with breast cancer, colorectal cancer, or other Lynch syndrome-associated tumor (Tung et al., 2015; Yurgelun et al., 2015; DeRycke et al., 2017; Pearlman et al., 2017; Yurgelun et al., 2017; MacFarland et al., 2021); This variant is associated with the following publications: (PMID: 22703879, 28135145, 30374176, 33097490, 25186627, 25980754, 28944238, 27978560, 32522605, 33032550, 25996639, 28873162, 25801821, 30814609)

Ambry Genetics
Classification: Benign for Hereditary cancer-predisposing syndrome. Last evaluated: 2021-05-25. Review status: criteria provided, single submitter. Criteria: Ambry Variant Classification Scheme 2023. Collection method: clinical testing. Allele origin: germline.

Sema4
Classification: Likely benign for Hereditary cancer-predisposing syndrome. Last evaluated: 2020-10-25. Review status: criteria provided, single submitter. Criteria: Sema4 Curation Guidelines. Collection method: curation. Allele origin: germline.

Color Diagnostics, LLC DBA Color Health
Classification: Likely benign for Hereditary cancer-predisposing syndrome. Last evaluated: 2020-05-28. Review status: criteria provided, single submitter. Criteria: ACMG Guidelines, 2015. Collection method: clinical testing. Allele origin: germline.

Quest Diagnostics Nichols Institute San Juan Capistrano
Classification: Likely benign. Last evaluated: 2019-12-24. Review status: criteria provided, single submitter. Criteria: Quest Diagnostics criteria. Collection method: clinical testing. Allele origin: unknown.

CeGaT Center for Human Genetics Tuebingen
Classification: Uncertain significance. Last evaluated: 2019-03-01. Review status: criteria provided, single submitter. Criteria: CeGaT Center For Human Genetics Tuebingen Variant Classification Criteria Version 2. Collection method: clinical testing. Allele origin: germline. Affected: yes. Observed: 1 variant allele.

University of Washington Department of Laboratory Medicine, University of Washington
Classification: Likely benign for Juvenile polyposis syndrome. Last evaluated: 2018-04-30. Review status: criteria provided, single submitter. Criteria: Tsai GJ et al. (Genet Med 2018). Collection method: research. Allele origin: germline. Inheritance: Autosomal dominant inheritance. Affected: no.
Comment: The BMPR1A variant designated as NM_004329.2:c.1433G>A (p.Arg478His) is classified as likely benign. This variant is listed in population databases and is found in approximately 1 out of 1750 individuals of European ancestry. In silico programs predict that this variant is likely to be tolerated (SIFT, Polyphen-2, Align-GVGD). In one observed family, this variant was not shown to segregate with colon polyps in family members who were over 60 years old. Bayesian analysis integrating all of this data (Tavtigian et al, 2018, PMID:29300386) gives approimately 1% probability of pathogenicity, which is consistent with a classification of likely benign. This variant is not predicted to alter BMPR1A function or modify cancer risk. A modest (less than 2 fold) increase in cancer risk due to this variant cannot be entirely excluded. This analysis was performed in conjunction with the family studies project as part of the University of Washington Find My Variant Study.

Fulgent Genetics
Classification: Uncertain significance for Juvenile polyposis syndrome; Polyposis syndrome, hereditary mixed, 2. Last evaluated: 2017-05-23. Review status: criteria provided, single submitter. Criteria: ACMG Guidelines, 2015. Collection method: clinical testing. Allele origin: unknown.

Laboratory for Molecular Medicine, Mass General Brigham Personalized Medicine
Classification: Uncertain significance. Last evaluated: 2016-12-28. Review status: criteria provided, single submitter. Criteria: LMM Criteria. Collection method: clinical testing. Allele origin: germline. Observed: 2 variant alleles.
Comment: The p.Arg478His variant in BMPR1A has been reported in 1 individual with suspect ed Lynch Syndrome (Yurgelun 2015), 2 individuals who underwent exome sequencing for non-cancer related indications (Johnston 2012, D'Alessandro 2016) and has al so been reported in ClinVar (Variation ID 41780). This variant has also been ide ntified in 15/66738 of European chromosomes by the Exome Aggregation Consortium (ExAC; dbSNP rs113849804). Computational predict ion tools and conservation analysis suggest that the p.Arg478His variant may not impact the protein, though this information is not predictive enough to rule ou t pathogenicity. In summary, the clinical significance of the p.Arg478His varian t is uncertain.

Counsyl
Classification: Uncertain significance for Juvenile polyposis syndrome. Last evaluated: 2018-04-05. Review status: no assertion criteria provided. Collection method: clinical testing. Allele origin: unknown. Not counted in ClinVar's aggregate classification.

Biesecker Lab/Clinical Genomics Section, National Institutes of Health
Classification: Uncertain significance. Last evaluated: 2012-07-13. Review status: no assertion criteria provided. Collection method: research. Allele origin: germline. Affected: no. Observed: 1 variant allele. Study: ClinSeq. Not counted in ClinVar's aggregate classification.
ClinVar note: Converted during submission from variant of unknown significance to Uncertain significance.

Literature cited by the submitters: PubMed 25980754 (cited by 6 submitters); PubMed 25186627 (cited by 4 submitters); PubMed 25996639 (cited by 5 submitters); PubMed 27978560 (cited by 6 submitters); PubMed 28135145 (cited by 5 submitters); PubMed 30374176 (cited by 3 submitters).